The following is an entry in ClinVar:

ClinVar aggregate classification (germline): Uncertain significance (1 of 4 stars; one submission).

Allele frequency attached by ClinVar (database versions not stated): gnomAD exomes below 0.00001.
gnomAD v4.1: 1 of 1,596,884 alleles (0.000063%); highest among the groups gnomAD compares: East Asian, 0.0022%; no homozygotes.

Submission:

Labcorp Genetics (formerly Invitae), Labcorp
Classification: Uncertain significance. Last evaluated: 2023-08-19. Review status: criteria provided, single submitter. Criteria: Invitae Variant Classification Sherloc (09022015). Collection method: clinical testing. Allele origin: germline.
Comment: This variant has not been reported in the literature in individuals affected with CARD8-related conditions. In summary, the available evidence is currently insufficient to determine the role of this variant in disease. Therefore, it has been classified as a Variant of Uncertain Significance. Algorithms developed to predict the effect of sequence changes on RNA splicing suggest that this variant may create or strengthen a splice site. This variant is present in population databases (no rsID available, gnomAD 0.006%). This sequence change affects codon 129 of the CARD8 mRNA. It is a 'silent' change, meaning that it does not change the encoded amino acid sequence of the CARD8 protein.

NM_001184900.3(CARD8):c.537A>G (p.Arg179=)

Gene: CARD8 (caspase recruitment domain family member 8; minus strand). Cytogenetic location: 19q13.33.
Variant type: single nucleotide variant.
Coding change: c.537A>G on transcript NM_001184900.3 (MANE Select); coding-DNA position 537, A replaced by G.
Protein change: p.Arg179=; no amino-acid change (arginine 179 retained).
Molecular consequence: synonymous variant. On other transcripts: non-coding transcript variant (4).
Genome position (GRCh38, 1-based): chr19:48,231,665, T>C on the plus strand (A>G on the coding strand, the complement: CARD8 is on the minus strand). VCF-style: chr19-48231665-T-C. GRCh37 (hg19) VCF-style: chr19-48734922-T-C.
Other names: c.387A>G, p.Arg129= (NM_001184901.1, NM_001351783.2, NM_001351788.2 and 2 more transcripts); c.537A>G, p.Arg179= (NM_001184902.2, NM_001184903.1, NM_001351782.2); c.222A>G, p.Arg74= (NM_001351784.2, NM_001351787.2, NM_001351791.2 and 2 more transcripts); c.201A>G, p.Arg67= (NM_001351786.2); c.294A>G, p.Arg98= (NM_001351790.2); c.-286A>G (NM_001426741.1).
Identifiers: ClinVar variation 2882724 (VCV002882724.3), dbSNP rs1385704419, ClinGen allele CA508008779.